The following is an entry in ClinVar:

ClinVar aggregate classification (germline): Pathogenic (1 of 4 stars; one submission).

Conditions:
Breast-ovarian cancer, familial, susceptibility to, 2 (BROVCA2). Also called: BRCA2 Hereditary Breast and Ovarian Cancer. Identifiers: Orphanet 145, MedGen C2675520, MONDO:0012933, OMIM 612555. Disease mechanism: loss of function.

gnomAD v4.1: 1 of 1,610,318 alleles (0.000062%); highest among the groups gnomAD compares: Non-Finnish European, 0.000085%; no homozygotes.

Submission:

Myriad Genetics, Inc.
Classification: Pathogenic for Breast-ovarian cancer, familial, susceptibility to, 2. Last evaluated: 2026-04-21. Review status: criteria provided, single submitter. Criteria: Myriad Autosomal Dominant, Autosomal Recessive and X-Linked Classification Criteria (2023). Collection method: clinical testing. Allele origin: unknown.
Comment: This variant is considered pathogenic. This variant creates a termination codon and is predicted to result in premature protein truncation.

NM_000059.4(BRCA2):c.6577G>T (p.Glu2193Ter)

Gene: BRCA2 (BRCA2 DNA repair associated; plus strand). Cytogenetic location: 13q13.1.
Variant type: single nucleotide variant.
Coding change: c.6577G>T on transcript NM_000059.4 (MANE Select); coding-DNA position 6577, G replaced by T.
Protein change: p.Glu2193Ter; replaces glutamic acid 2193 with a stop codon.
Molecular consequence: nonsense. On other transcripts: non-coding transcript variant (1), intron variant (2).
Genome position (GRCh38, 1-based): chr13:32,340,932, G>T. VCF-style: chr13-32340932-G-T. GRCh37 (hg19) VCF-style: chr13-32915069-G-T.
Other names: c.6577G>T, p.Glu2193Ter (NM_001406719.1, NM_001406720.1, NM_001432077.1); c.1910-3626G>T (NM_001406721.1); c.425-3626G>T (NM_001406722.1); short protein forms E2193*.
Identifiers: ClinVar variation 4876165 (VCV004876165.1).